The following is an entry in ClinVar:

NM_033380.3(COL4A5):c.3586G>A (p.Gly1196Arg)

Gene: COL4A5 (collagen type IV alpha 5 chain; plus strand). Cytogenetic location: Xq22.3.
Variant type: single nucleotide variant.
Coding change: c.3586G>A on transcript NM_033380.3 (MANE Select); coding-DNA position 3586, G replaced by A.
Protein change: p.Gly1196Arg; replaces glycine 1196 with arginine.
Molecular consequence: missense variant.
Genome position (GRCh38, 1-based): chrX:108,667,165, G>A. VCF-style: chrX-108667165-G-A. GRCh37 (hg19) VCF-style: chrX-107910395-G-A.
Other names: c.3586G>A, p.Gly1196Arg (NM_000495.5); short protein forms G1196R.
Identifiers: ClinVar variation 24651 (VCV000024651.11), dbSNP rs104886244, ClinGen allele CA258900.

ClinVar aggregate classification (germline): Pathogenic/Likely pathogenic. Review status: criteria provided, multiple submitters, no conflicts (2 of 4 stars). 3 submissions from 3 submitters: Pathogenic (2); Likely pathogenic (1). Last evaluated 2024-06-20.

Conditions:
X-linked Alport syndrome (ATS1). Also called: COL4A5-Related Nephropathy; NEPHROPATHY AND DEAFNESS, X-LINKED. Identifiers: Orphanet 63, Orphanet 88917, MedGen C4746986, MONDO:0010520, OMIM 301050.

Allele frequency attached by ClinVar (database versions not stated): gnomAD exomes below 0.00001.
gnomAD v4.1: 1 of 1,206,191 alleles (0.000083%); highest among the groups gnomAD compares: Non-Finnish European, 0.00011%; no homozygotes.

Submissions (3):

Fulgent Genetics
Classification: Likely pathogenic for X-linked Alport syndrome. Last evaluated: 2024-06-20. Review status: criteria provided, single submitter. Criteria: ACMG Guidelines, 2015. Collection method: clinical testing. Allele origin: germline.

Labcorp Genetics (formerly Invitae), Labcorp
Classification: Pathogenic. Last evaluated: 2021-01-13. Review status: criteria provided, single submitter. Criteria: Invitae Variant Classification Sherloc (09022015). Collection method: clinical testing. Allele origin: germline.
Comment: This sequence change replaces glycine with arginine at codon 1196 of the COL4A5 protein (p.Gly1196Arg). The glycine residue is highly conserved and there is a moderate physicochemical difference between glycine and arginine. This variant is not present in population databases (ExAC no frequency). This variant has been observed in individual(s) with Alport syndrome (PMID: 9848783). This variant is also known as c.3788G>A. ClinVar contains an entry for this variant (Variation ID: 24651). Advanced modeling of protein sequence and biophysical properties (such as structural, functional, and spatial information, amino acid conservation, physicochemical variation, residue mobility, and thermodynamic stability) performed at Invitae indicates that this missense variant is expected to disrupt COL4A5 protein function. This variant disrupts the triple helix domain of COL4A5. Glycine residues within the Gly-Xaa-Yaa repeats of the triple helix domain are required for the structure and stability of fibrillar collagens (PMID: 7695699, 8218237, 19344236). In COL4A5, missense variants at these glycine residues are significantly enriched in individuals with disease (PMID: 23720012, 27627812) compared to the general population (ExAC). For these reasons, this variant has been classified as Pathogenic. This variant disrupts the p.Gly1196 amino acid residue in COL4A5. Other variant(s) that disrupt this residue have been observed in individuals with COL4A5-related conditions (PMID: 20378821, 9848783, Invitae), which suggests that this may be a clinically significant amino acid residue.

Athena Diagnostics
Classification: Pathogenic. Last evaluated: 2019-06-12. Review status: criteria provided, single submitter. Criteria: Athena Diagnostics Criteria. Collection method: clinical testing. Allele origin: germline.
Comment: The variant disrupts a glycine residue in the canonical Gly-X-Y repeats of the triple helix domain, which are required for stability and structure of this protein. Therefore it is expected to severely affect the function of the protein. Found in at least one symptomatic patient, and not found in general population data.

Literature cited by the submitters: PubMed 9848783 (cited by Labcorp Genetics (formerly Invitae), Labcorp and Athena Diagnostics); PubMed 7695699 (cited by Labcorp Genetics (formerly Invitae), Labcorp); PubMed 8218237 (cited by Labcorp Genetics (formerly Invitae), Labcorp); PubMed 19344236 (cited by Labcorp Genetics (formerly Invitae), Labcorp); PubMed 23720012 (cited by Labcorp Genetics (formerly Invitae), Labcorp); PubMed 27627812 (cited by Labcorp Genetics (formerly Invitae), Labcorp); PubMed 20378821 (cited by Labcorp Genetics (formerly Invitae), Labcorp).